The following is an entry in ClinVar:

ClinVar aggregate classification (germline): Uncertain significance (1 of 4 stars; one submission).

Conditions:
Farber lipogranulomatosis (FRBRL). Also called: Farber's lipogranulomatosis; Farber's disease; Farber disease; AC DEFICIENCY; ACID CERAMIDASE DEFICIENCY; CERAMIDASE DEFICIENCY. Identifiers: Orphanet 333, MedGen C0268255, MONDO:0009218, OMIM 228000.

Allele frequency attached by ClinVar (database versions not stated): gnomAD exomes below 0.00001.
gnomAD v4.1: 1 of 1,614,194 alleles (0.000062%); highest among the groups gnomAD compares: African/African-American, 0.0013%; no homozygotes.

Submission:

Baylor Genetics
Classification: Uncertain significance for Farber lipogranulomatosis. Last evaluated: 2020-05-05. Review status: criteria provided, single submitter. Criteria: ACMG Guidelines, 2015. Collection method: clinical testing. Allele origin: unknown. Affected: yes.
Comment: This variant was determined to be of uncertain significance according to ACMG Guidelines, 2015 [PMID:25741868].

NM_177924.5(ASAH1):c.587A>G (p.Lys196Arg)

Gene: ASAH1 (N-acylsphingosine amidohydrolase 1; minus strand). Cytogenetic location: 8p22.
Variant type: single nucleotide variant.
Coding change: c.587A>G on transcript NM_177924.5 (MANE Select); coding-DNA position 587, A replaced by G.
Protein change: p.Lys196Arg; replaces lysine 196 with arginine.
Molecular consequence: missense variant.
Genome position (GRCh38, 1-based): chr8:18,062,340, T>C on the plus strand (A>G on the coding strand, the complement: ASAH1 is on the minus strand). VCF-style: chr8-18062340-T-C. GRCh37 (hg19) VCF-style: chr8-17919849-T-C.
Other names: c.569A>G, p.Lys190Arg (NM_001127505.3); c.392A>G, p.Lys131Arg (NM_001363743.2); c.635A>G, p.Lys212Arg (NM_004315.6); short protein forms K196R, K212R, K131R, K190R.
Identifiers: ClinVar variation 1030358 (VCV001030358.1), dbSNP rs1206454808, ClinGen allele CA370430012.